The following is an entry in ClinVar:

ClinVar aggregate classification (germline): Uncertain significance. Review status: criteria provided, multiple submitters, no conflicts (2 of 4 stars). 3 submissions from 3 submitters: Uncertain significance (3). Last evaluated 2024-06-17.

Conditions:
Inborn genetic diseases. Identifiers: MedGen C0950123, MeSH D030342.
Hereditary spastic paraplegia 28. Also called: Spastic paraplegia 28, autosomal recessive. Identifiers: Orphanet 101008, MedGen C1836295, MONDO:0012256, OMIM 609340.

Allele frequency attached by ClinVar (database versions not stated): gnomAD exomes 0.00004 and 0.00005; ExAC 0.00007; TOPMed 0.00007; gnomAD 0.00008 and 0.00010; ESP Exome Variant Server 0.00015.
gnomAD v4.1: 67 of 1,611,192 alleles (0.0042%); highest among the groups gnomAD compares: African/African-American, 0.0054%; no homozygotes.

Submissions (3):

Ambry Genetics
Classification: Uncertain significance for Inborn genetic diseases. Last evaluated: 2024-06-17. Review status: criteria provided, single submitter. Criteria: Ambry Variant Classification Scheme 2023. Collection method: clinical testing. Allele origin: germline.

Labcorp Genetics (formerly Invitae), Labcorp
Classification: Uncertain significance for Hereditary spastic paraplegia 28. Last evaluated: 2022-08-15. Review status: criteria provided, single submitter. Criteria: Invitae Variant Classification Sherloc (09022015). Collection method: clinical testing. Allele origin: germline.
Comment: In summary, the available evidence is currently insufficient to determine the role of this variant in disease. Therefore, it has been classified as a Variant of Uncertain Significance. Algorithms developed to predict the effect of missense changes on protein structure and function are either unavailable or do not agree on the potential impact of this missense change (SIFT: "Tolerated"; PolyPhen-2: "Probably Damaging"; Align-GVGD: "Class C0"). ClinVar contains an entry for this variant (Variation ID: 1494443). This variant has not been reported in the literature in individuals affected with DDHD1-related conditions. This variant is present in population databases (rs368145864, gnomAD 0.01%). This sequence change replaces serine, which is neutral and polar, with phenylalanine, which is neutral and non-polar, at codon 93 of the DDHD1 protein (p.Ser93Phe).

Blueprint Genetics
Classification: Uncertain significance. Last evaluated: 2021-09-17. Review status: criteria provided, single submitter. Criteria: ACMG Guidelines, 2015. Collection method: clinical testing. Allele origin: germline.

NM_001160148.2(DDHD1):c.278C>T (p.Ser93Phe)

Gene: DDHD1 (DDHD domain containing 1; minus strand). Cytogenetic location: 14q22.1.
Variant type: single nucleotide variant.
Coding change: c.278C>T on transcript NM_001160148.2 (MANE Select); coding-DNA position 278, C replaced by T.
Protein change: p.Ser93Phe; replaces serine 93 with phenylalanine.
Molecular consequence: missense variant.
Genome position (GRCh38, 1-based): chr14:53,152,821, G>A on the plus strand (C>T on the coding strand, the complement: DDHD1 is on the minus strand). VCF-style: chr14-53152821-G-A. GRCh37 (hg19) VCF-style: chr14-53619539-G-A.
Other names: c.278C>T, p.Ser93Phe (NM_001160147.2, NM_030637.3); c.278C>T (NM_001160148.1); short protein forms S93F.
Identifiers: ClinVar variation 1494443 (VCV001494443.9), dbSNP rs368145864, ClinGen allele CA7191551.